The following is an entry in ClinVar:

ClinVar aggregate classification (germline): Uncertain significance (1 of 4 stars; one submission).

Conditions:
Inborn genetic diseases. Identifiers: MedGen C0950123, MeSH D030342.

Submission:

Ambry Genetics
Classification: Uncertain significance for Inborn genetic diseases. Last evaluated: 2024-01-21. Review status: criteria provided, single submitter. Criteria: Ambry Variant Classification Scheme 2023. Collection method: clinical testing. Allele origin: germline.
Comment: The p.K68E variant (also known as c.202A>G), located in coding exon 2 of the EPAS1 gene, results from an A to G substitution at nucleotide position 202. The lysine at codon 68 is replaced by glutamic acid, an amino acid with similar properties. This amino acid position is conserved. In addition, the in silico prediction for this alteration is inconclusive. Based on the available evidence, the clinical significance of this alteration remains unclear.

NM_001430.5(EPAS1):c.202A>G (p.Lys68Glu)

Gene: EPAS1 (endothelial PAS domain protein 1; plus strand). Cytogenetic location: 2p21.
Variant type: single nucleotide variant.
Coding change: c.202A>G on transcript NM_001430.5 (MANE Select); coding-DNA position 202, A replaced by G.
Protein change: p.Lys68Glu; replaces lysine 68 with glutamic acid.
Molecular consequence: missense variant.
Genome position (GRCh38, 1-based): chr2:46,347,048, A>G. VCF-style: chr2-46347048-A-G. GRCh37 (hg19) VCF-style: chr2-46574187-A-G.
Other names: short protein forms K68E.
Identifiers: ClinVar variation 3221595 (VCV003221595.1), dbSNP rs1432214749, ClinGen allele CA346697244.